The following is an entry in ClinVar:

NM_001374385.1(ATP8B1):c.2708-4A>C

Genes: ATP8B1 (ATPase phospholipid transporting 8B1; minus strand), ATP8B1-AS1 (ATP8B1 antisense RNA 1; plus strand). Cytogenetic location: 18q21.31.
Variant type: single nucleotide variant.
Coding change: c.2708-4A>C on transcript NM_001374385.1 (MANE Select); 4 bases into the intron before coding-DNA position 2708, A replaced by C.
Molecular consequence: intron variant.
Genome position (GRCh38, 1-based): chr18:57,655,421, T>G on the plus strand (A>C on the coding strand, the complement: ATP8B1 is on the minus strand). VCF-style: chr18-57655421-T-G. GRCh37 (hg19) VCF-style: chr18-55322653-T-G.
Other names: c.2708-4A>C (NM_005603.4, NM_005603.6); c.2558-4A>C (NM_001374386.1).
Identifiers: ClinVar variation 2961700 (VCV002961700.5), dbSNP rs1386745588, ClinGen allele CA630395908.

ClinVar aggregate classification (germline): Likely benign. Review status: criteria provided, single submitter (1 of 4 stars). 2 submissions from 2 submitters: Likely benign (1). 1 of the submissions does not count toward it. Last evaluated 2024-03-01.

Conditions:
ATP8B1-related disorder. Also called: ATP8B1-related condition; ATP8B1-related disorders.

Allele frequency attached by ClinVar (database versions not stated): gnomAD 0.00003; TOPMed 0.00004; gnomAD exomes 0.00007.
gnomAD v4.1: 97 of 1,613,240 alleles (0.006%); highest among the groups gnomAD compares: Non-Finnish European, 0.0081%; no homozygotes.

Submissions (2):

Labcorp Genetics (formerly Invitae), Labcorp
Classification: Likely benign. Last evaluated: 2024-03-01. Review status: criteria provided, single submitter. Criteria: Invitae Variant Classification Sherloc (09022015). Collection method: clinical testing. Allele origin: germline.

PreventionGenetics, part of Exact Sciences
Classification: Likely benign for ATP8B1-related condition. Last evaluated: 2020-02-24. Review status: no assertion criteria provided. Collection method: clinical testing. Allele origin: germline. Not counted in ClinVar's aggregate classification.
Comment: This variant is classified as likely benign based on ACMG/AMP sequence variant interpretation guidelines (Richards et al. 2015 PMID: 25741868, with internal and published modifications).